The following is an entry in ClinVar:

NM_001943.5(DSG2):c.880A>G (p.Lys294Glu)

Gene: DSG2 (desmoglein 2; plus strand). Cytogenetic location: 18q12.1.
Variant type: single nucleotide variant.
Coding change: c.880A>G on transcript NM_001943.5 (MANE Select); coding-DNA position 880, A replaced by G.
Protein change: p.Lys294Glu; replaces lysine 294 with glutamic acid.
Molecular consequence: missense variant.
Genome position (GRCh38, 1-based): chr18:31,524,754, A>G. VCF-style: chr18-31524754-A-G. GRCh37 (hg19) VCF-style: chr18-29104717-A-G.
Other names: short protein forms K294E.
Identifiers: ClinVar variation 199803 (VCV000199803.39), dbSNP rs752432726, ClinGen allele CA022347.

ClinVar aggregate classification (germline): Conflicting classifications of pathogenicity. Review status: criteria provided, conflicting classifications (1 of 4 stars). 13 submissions from 13 submitters: Uncertain significance (8); Likely benign (1). 4 of the submissions do not count toward it. Last evaluated 2026-01-25.

Conditions:
Cardiovascular phenotype. Identifiers: MedGen CN230736.
Arrhythmogenic right ventricular cardiomyopathy (ARVD). Also called: Arrhythmogenic cardiomyopathy; Cardiomyopathy, ARVC; Arrhythmogenic right ventricular dysplasia; Arrhythmogenic Right Ventricular Cardiomyopathy (ARVC). Identifiers: Orphanet 247, MedGen C0349788, MeSH D019571, MONDO:0016587. Disease mechanism: loss of function. Inheritance: Various modes of inheritance.
Cardiomyopathy (CMYO). Also called: Cardiomyopathies. Identifiers: Orphanet 167848, MedGen C0878544, MONDO:0004994, HP:0001638. Inheritance: Various modes of inheritance.
Arrhythmogenic right ventricular dysplasia 10. Also called: ARRHYTHMOGENIC RIGHT VENTRICULAR DYSPLASIA, FAMILIAL, 10; Arrhythmogenic right ventricular dysplasia/cardiomyopathy, type 10; Arrhythmogenic Right Ventricular Dysplasia/Cardiomyopathy10. Identifiers: MedGen C1857777, MONDO:0012434, OMIM 610193.

Allele frequency attached by ClinVar (database versions not stated): gnomAD 0.00001 and 0.00002; TOPMed 0.00001; ExAC 0.00002.
gnomAD v4.1: 56 of 1,614,090 alleles (0.0035%); highest among the groups gnomAD compares: Middle Eastern, 0.099%; 2 homozygotes.

Submissions (13):

Ambry Genetics
Classification: Uncertain significance for Cardiovascular phenotype. Last evaluated: 2026-01-25. Review status: criteria provided, single submitter. Criteria: Ambry Variant Classification Scheme 2023. Collection method: clinical testing. Allele origin: germline.

Labcorp Genetics (formerly Invitae), Labcorp
Classification: Uncertain significance for Arrhythmogenic right ventricular dysplasia 10. Last evaluated: 2025-12-29. Review status: criteria provided, single submitter. Criteria: Invitae Variant Classification Sherloc (09022015). Collection method: clinical testing. Allele origin: germline.
Comment: This sequence change replaces lysine, which is basic and polar, with glutamic acid, which is acidic and polar, at codon 294 of the DSG2 protein (p.Lys294Glu). This variant is present in population databases (rs752432726, gnomAD 0.005%). This missense change has been observed in individual(s) with arrhythmogenic right ventricular cardiomyopathy and/or dilated cardiomyopathy (PMID: 16505173, 24070718, 34036930). ClinVar contains an entry for this variant (Variation ID: 199803). Invitae Evidence Modeling of protein sequence and biophysical properties (such as structural, functional, and spatial information, amino acid conservation, physicochemical variation, residue mobility, and thermodynamic stability) has been performed for this missense variant. However, the output from this modeling did not meet the statistical confidence thresholds required to predict the impact of this variant on DSG2 protein function. Experimental studies have shown that this missense change does not substantially affect DSG2 function (PMID: 23071725, 30885746). In summary, the available evidence is currently insufficient to determine the role of this variant in disease. Therefore, it has been classified as a Variant of Uncertain Significance.

Blueprint Genetics
Classification: Likely benign. Last evaluated: 2024-09-16. Review status: criteria provided, single submitter. Criteria: ACMG Guidelines, 2015. Collection method: clinical testing. Allele origin: germline.

All of Us Research Program, National Institutes of Health
Classification: Uncertain significance for Arrhythmogenic right ventricular cardiomyopathy. Last evaluated: 2024-08-13. Review status: criteria provided, single submitter. Criteria: ACMG Guidelines, 2015. Collection method: clinical testing. Allele origin: germline. Inheritance: Autosomal dominant inheritance. Observed: 8 variant alleles, 8 heterozygotes.
Comment: This missense variant replaces lysine with glutamic acid at codon 294 of the DSG2 protein. Computational prediction suggests that this variant may not impact protein structure and function (internally defined REVEL score threshold <= 0.5, PMID: 27666373). A functional study has shown that this variant does not impact prodomain cleavage, cellular localization, adhesion and protein binding properties of DSG2 protein (PMID: 23071725, 30885746). This variant has been reported in individuals affected with arrhythmogenic right ventricular cardiomyopathy (PMID: 16505173, 24070718, 26138720), hypertrophic cardiomyopathy (PMID: 30847666), idiopathic dilated cardiomyopathy (PMID: 34036930), or sudden explained death (PMID: 26272908, 33762593). This variant has also been identified in 6/280794 chromosomes in the general population by the Genome Aggregation Database (gnomAD). The available evidence is insufficient to determine the role of this variant in disease conclusively. Therefore, this variant is classified as a Variant of Uncertain Significance.

This study involves interpretation of variants in research participants for the purpose of population health screening. Participant phenotype was not available at the time of variant classification. Additional details can be found in publication PMID: 35346344, PMCID: PMC8962531

Color Diagnostics, LLC DBA Color Health
Classification: Uncertain significance for Cardiomyopathy. Last evaluated: 2024-06-20. Review status: criteria provided, single submitter. Criteria: ACMG Guidelines, 2015. Collection method: clinical testing. Allele origin: germline.
Comment: This missense variant replaces lysine with glutamic acid at codon 294 of the DSG2 protein. Computational prediction suggests that this variant may not impact protein structure and function (internally defined REVEL score threshold <= 0.5, PMID: 27666373). A functional study has shown that this variant does not impact prodomain cleavage, cellular localization, adhesion and protein binding properties of DSG2 protein (PMID: 23071725, 30885746). This variant has been reported in individuals affected with arrhythmogenic right ventricular cardiomyopathy (PMID: 16505173, 24070718, 26138720), hypertrophic cardiomyopathy (PMID: 30847666), idiopathic dilated cardiomyopathy (PMID: 34036930), or sudden explained death (PMID: 26272908, 33762593). This variant has also been identified in 6/280794 chromosomes in the general population by the Genome Aggregation Database (gnomAD). The available evidence is insufficient to determine the role of this variant in disease conclusively. Therefore, this variant is classified as a Variant of Uncertain Significance.

CHEO Genetics Diagnostic Laboratory, Children's Hospital of Eastern Ontario
Classification: Uncertain significance for Cardiomyopathy. Last evaluated: 2021-11-01. Review status: criteria provided, single submitter. Criteria: ACMG Guidelines, 2015. Collection method: clinical testing. Allele origin: germline.

Mayo Clinic Laboratories, Mayo Clinic
Classification: Uncertain significance. Last evaluated: 2020-01-10. Review status: criteria provided, single submitter. Criteria: ACMG Guidelines, 2015. Collection method: clinical testing. Allele origin: germline. Observed: 1 variant allele.

ARUP Laboratories, Molecular Genetics and Genomics, ARUP Laboratories
Classification: Uncertain significance. Last evaluated: 2018-02-27. Review status: criteria provided, single submitter. Criteria: ARUP Molecular Germline Variant Investigation Process. Collection method: clinical testing. Allele origin: germline.
Comment: The DSG2 c.880A>G; p.Lys294Glu variant (rs752432726; ClinVar ID 199803) has been reported in a single individual with arrhythmogenic right ventricular cardiomyopathy (Pilichou 2006); however, functional studies of this variant found no defects in prodomain cleavage, adhesion properties, or cellular localization compared to the wild-type protein (Gaertner 2012). This variant is listed in the genome Aggregation Database (gnomAD) with an overall population frequency of 0.002% (identified on 6 out of 277,042 chromosomes). The lysine at position 294 is highly conserved, considering 12 species, and computational analyses of the effects of the p.Lys294Glu variant on protein structure and function make conflicting predictions (SIFT: tolerated, PolyPhen-2: possibly damaging). Based on the available information, the clinical significance of the p.Lys294Glu variant cannot be determined with certainty.

Laboratory for Molecular Medicine, Mass General Brigham Personalized Medicine
Classification: Uncertain significance. Last evaluated: 2016-03-28. Review status: criteria provided, single submitter. Criteria: LMM Criteria. Collection method: clinical testing. Allele origin: germline.
Comment: Variant identified in a genome or exome case(s) and assessed due to predicted null impact of the variant or pathogenic assertions in the literature or databases. Disclaimer: This variant has not undergone full assessment. The following are preliminary notes: 1 report, functional study does not predict impact; ExAC: 1/9800 African chromosomes

Clinical Genetics DNA and cytogenetics Diagnostics Lab, Erasmus MC, Erasmus Medical Center
Classification: Uncertain significance. Review status: no assertion criteria provided. Collection method: clinical testing. Allele origin: germline. Affected: yes. Study: VKGL Data-share Consensus. Not counted in ClinVar's aggregate classification.

Clinical Genetics, Academic Medical Center
Classification: Uncertain significance. Review status: no assertion criteria provided. Collection method: clinical testing. Allele origin: germline. Affected: yes. Study: VKGL Data-share Consensus. Not counted in ClinVar's aggregate classification.

Joint Genome Diagnostic Labs from Nijmegen and Maastricht, Radboudumc and MUMC+
Classification: Uncertain significance. Review status: no assertion criteria provided. Collection method: clinical testing. Allele origin: germline. Affected: yes. Study: VKGL Data-share Consensus. Not counted in ClinVar's aggregate classification.

Molecular Diagnostic Laboratory for Inherited Cardiovascular Disease, Montreal Heart Institute
Classification: Likely pathogenic for Arrhythmogenic right ventricular cardiomyopathy. Review status: flagged submission. Criteria: ACMG Guidelines, 2015. Collection method: clinical testing. Allele origin: germline. Affected: yes. Not counted in ClinVar's aggregate classification.
ClinVar note: Reason: Outlier claim with insufficient supporting evidence

Literature cited by the submitters: PubMed 16505173 (cited by 3 submitters); PubMed 24070718 (cited by 3 submitters); PubMed 34036930 (cited by 3 submitters); PubMed 23071725 (cited by 3 submitters); PubMed 30885746 (cited by 3 submitters); PubMed 26138720 (cited by All of Us Research Program, National Institutes of Health and Color Diagnostics, LLC DBA Color Health); PubMed 26272908 (cited by All of Us Research Program, National Institutes of Health and Color Diagnostics, LLC DBA Color Health); PubMed 30847666 (cited by All of Us Research Program, National Institutes of Health and Color Diagnostics, LLC DBA Color Health); PubMed 33762593 (cited by All of Us Research Program, National Institutes of Health and Color Diagnostics, LLC DBA Color Health).